The following is an entry in ClinVar:

ClinVar aggregate classification (germline): Uncertain significance (1 of 4 stars; one submission).

Allele frequency attached by ClinVar (database versions not stated): ExAC 0.00001; gnomAD exomes 0.00001; gnomAD 0.00002; TOPMed 0.00002.
gnomAD v4.1: 7 of 1,610,292 alleles (0.00043%); highest among the groups gnomAD compares: Non-Finnish European, 0.00059%; no homozygotes.

Submission:

Labcorp Genetics (formerly Invitae), Labcorp
Classification: Uncertain significance. Last evaluated: 2024-06-02. Review status: criteria provided, single submitter. Criteria: Invitae Variant Classification Sherloc (09022015). Collection method: clinical testing. Allele origin: germline.
Comment: This sequence change replaces asparagine, which is neutral and polar, with serine, which is neutral and polar, at codon 269 of the LIPC protein (p.Asn269Ser). This variant is present in population databases (rs756182134, gnomAD 0.003%). This missense change has been observed in individual(s) with suspected dyslipidemia (PMID: 36325899). An algorithm developed to predict the effect of missense changes on protein structure and function (PolyPhen-2) suggests that this variant is likely to be tolerated. Algorithms developed to predict the effect of sequence changes on RNA splicing suggest that this variant may disrupt the consensus splice site. In summary, the available evidence is currently insufficient to determine the role of this variant in disease. Therefore, it has been classified as a Variant of Uncertain Significance.

Literature cited by the submitters: PubMed 36325899.

NM_000236.3(LIPC):c.806A>G (p.Asn269Ser)

Gene: LIPC (lipase C, hepatic type; plus strand). Cytogenetic location: 15q21.3.
Variant type: single nucleotide variant.
Coding change: c.806A>G on transcript NM_000236.3 (MANE Select); coding-DNA position 806, A replaced by G.
Protein change: p.Asn269Ser; replaces asparagine 269 with serine.
Molecular consequence: missense variant.
Genome position (GRCh38, 1-based): chr15:58,545,973, A>G. VCF-style: chr15-58545973-A-G. GRCh37 (hg19) VCF-style: chr15-58838172-A-G.
Other names: short protein forms N269S.
Identifiers: ClinVar variation 2978938 (VCV002978938.3), dbSNP rs756182134, ClinGen allele CA7584990.